The following continues an entry in ClinVar:

NM_000287.4(PEX6):c.1802G>A (p.Arg601Gln)

Gene: PEX6. ClinVar aggregate classification (germline): Conflicting classifications of pathogenicity. Pathogenic (7); Likely pathogenic (13); Uncertain significance (10).

Submissions 23 to 34 of 34:

Rady Children's Institute for Genomic Medicine, Rady Children's Hospital San Diego
Classification: Likely pathogenic for PEX6-Related Disorders. Last evaluated: 2019-11-19. Review status: criteria provided, single submitter. Criteria: ACMG Guidelines, 2015. Collection method: clinical testing. Allele origin: germline. Affected: yes.
Comment: This variant has been previously reported as a compound heterozygous change with multiple different variants, including c.2579G>A (p.Arg860Gln), in patients with peroxisome biogenesis disorder (Zellweger syndrome) or Heimler Syndrome, including bilateral sensorineural hearing loss, amelogenesis imperfecta, nail abnormalities, and retinal pigmentation (PMID: 19105186, 26387595, 27302843). Functional studies of this variant demonstrate that it has significant residual activity, suggesting that it may be a hypomorphic allele (PMID: 26387595). Haplotype analysis of this variant show that it is consistently associated with a haplotype of two SNPs and a 779 KB microsatellite, suggesting that this variant is a founder variant that may have arisen many generations ago (PMID: 27302843). In the gnomAD population database, it is present in the homozygous state in 7 individuals and it is present in the heterozygous state at a frequency of 0.30% (821/277,712). The c.1802G>A (p.Arg601Gln) variant affects a highly conserved amino acid and is predicted by multiple in silico tools to have a deleterious effect on protein function. Based on the available evidence, the c.1802G>A (p.Arg601Gln) variant is classified as Likely Pathogenic.

Johns Hopkins Genomics, Johns Hopkins University
Classification: Likely pathogenic for Peroxisome biogenesis disorder 4A (Zellweger). Last evaluated: 2019-09-25. Review status: criteria provided, single submitter. Criteria: ACMG Guidelines, 2015. Collection method: clinical testing. Allele origin: germline.

Baylor Genetics
Classification: Pathogenic for Heimler syndrome 2; Peroxisome biogenesis disorder 4A (Zellweger); Peroxisome biogenesis disorder 4B. Last evaluated: 2018-10-12. Review status: criteria provided, single submitter. Criteria: ACMG Guidelines, 2015. Collection method: clinical testing. Allele origin: germline. Affected: yes.

Eurofins Ntd Llc (ga)
Classification: Likely pathogenic. Last evaluated: 2018-01-12. Review status: criteria provided, single submitter. Criteria: EGL Classification Definitions 2015. Collection method: clinical testing. Allele origin: germline. Observed: 12 variant alleles, 12 heterozygotes.

Illumina Laboratory Services, Illumina
Classification: Likely pathogenic for Peroxisome biogenesis disorder 4A (Zellweger). Last evaluated: 2017-08-28. Review status: criteria provided, single submitter. Criteria: ICSL Variant Classification Criteria 09 May 2019. Collection method: clinical testing. Allele origin: germline.
Comment: The PEX6 c.1802G>A (p.Arg601Gln) missense variant has been reported in at least six studies in which it is found in at least 12 individuals in a compound heterozygous state, including five individuals diagnosed with a mild Zellweger syndrome (ZS) and seven with Heimler syndrome (Yik et al. 2009; Ebberink et al. 2010; Tran et al. 2014; Ratbi et al. 2015; Ferdinandusse et al. 2016; Smith et al. 2016). One of the compound heterozygotes diagnosed with ZS carried a third variant in the PEX6 gene (phase unknown) (Yik et al. 2009). Another of the compound heterozygotes presented with a late-onset form of ZS with a phenotype that mimicked X-linked adrenoleukodystrophy (Tran et al. 2014). The p.Arg601Gln variant was also present in a heterozygous state in an individual with ZS who carried two variants in the PEX1 gene in a compound heterozygous state (Yik et al. 2009). The individuals with Heimler syndrome included a set of twins, three siblings from an unrelated family and two additional individuals from two other unrelated families (Ratbi et al. 2015; Smith et al. 2016). Affected individuals carrying the p.Arg601Gln variant often have a mild phenotype that may include normal intellect, sensorineural hearing loss, amelogenesis imperfecta, Beau's lines, and leukonychia and have been occasionally been misdiagnosed with both X-linked adrenoleukodystrophy and Usher syndrome with amelogenesis imperfecta (Tran et al. 2014; Ratbi et al. 2015; Ferdinandusse et al. 2016; Smith et al. 2016). The p.Arg601Gln variant was absent from 200 control chromosomes and is reported at a frequency of 0.014563 in the Gujarati Indian in Houston population of the 1000 Genomes Project. There are eight homozygotes present in the Genome Aggregation Database, which may be explained by the mild phenotypic presentation caused by the p.Arg601Gln variant and by the variant acting as a hypomorphic allele (Smith et al. 2016). The Arg601 residue is conserved. Transfection of the p.Arg601Gln variant into primary skin fibroblasts cells completely deficient in PEX1 and PEX6 demonstrated that the variant rescued peroxisomal biogenesis in between 35 to 40% of cells indicating a significant residual activity (Ratbi et al. 2015). Based on the collective evidence, the p.Arg601Gln variant is classified as likely pathogenic for Zellweger Syndrome. This variant was observed by ICSL as part of a predisposition screen in an ostensibly healthy population.

Genetic Services Laboratory, University of Chicago
Classification: Uncertain significance. Last evaluated: 2016-03-29. Review status: criteria provided, single submitter. Criteria: ACMG Guidelines, 2015. Collection method: clinical testing. Allele origin: germline. Affected: no.

Leeds Amelogenesis Imperfecta Research Group, University of Leeds
Classification: Pathogenic for Heimler syndrome 2. Last evaluated: 2015-10-01. Review status: criteria provided, single submitter. Criteria: Submitter's publication. Collection method: research. Allele origin: germline. Affected: yes.
Comment: PMID:26387595 paper details one individual who is heterozygous for c.1802G>A variant with Heimler syndrome; other two detail Zellweger spectrum patients with variant

Kariminejad - Najmabadi Pathology & Genetics Center
Classification: Likely pathogenic for Peroxisome biogenesis disorder 4A (Zellweger). Review status: criteria provided, single submitter. Criteria: ACMG Guidelines, 2015. Collection method: clinical testing. Allele origin: germline. Affected: no.

Counsyl
Classification: Likely benign for Peroxisome biogenesis disorder 4A (Zellweger); Peroxisome biogenesis disorder 4B. Last evaluated: 2017-11-21. Review status: no assertion criteria provided. Collection method: clinical testing. Allele origin: unknown. Not counted in ClinVar's aggregate classification.

OMIM
Classification: Pathogenic for HEIMLER SYNDROME 2. Last evaluated: 2015-10-01. Review status: no assertion criteria provided. Collection method: literature only. Allele origin: germline. Not counted in ClinVar's aggregate classification.

Hong-Tao Li Lab, Institute of Brain Science and Brain-inspired Research, Shandong First Medical University & Shandong Academy of Medical Sciences China
Classification: Uncertain significance for Peroxisome biogenesis disorder 4B. Review status: no assertion criteria provided. Collection method: research. Allele origin: germline. Affected: yes. Observed: 1 variant allele, 1 heterozygote. Not counted in ClinVar's aggregate classification.
Comment: Observed in affected individuals from a Pakistani neurodevelopmental-disorder research cohort of 263 individuals. Classification assigned using the ACMG/AMP framework. Population-frequency evidence: gnomAD AF 0.002956.

Center for Pediatric Genomic Medicine, Children's Mercy Hospital and Clinics
Classification: Benign. Last evaluated: 2017-01-04. Review status: flagged submission. Criteria: ACMG Guidelines, 2015. Collection method: clinical testing. Allele origin: germline. Not counted in ClinVar's aggregate classification.
ClinVar note: Reason: Outlier claim with insufficient supporting evidence

Literature cited by the submitters: PubMed 27302843 (cited by 8 submitters); PubMed 19105186 (cited by 11 submitters); PubMed 29676688 (cited by 5 submitters); PubMed 25079577 (cited by 8 submitters); PubMed 42233699 (cited by Laboratory of Molecular, Cellular and Translation Genetics in Otolaryngology/ Lim32-hcfmusp, University of Sao Paulo School of Medicine Clinics Hospital); PubMed 30846882 (cited by Natera, Inc.); PubMed 21031596 (cited by Ambry Genetics and Leeds Amelogenesis Imperfecta Research Group, University of Leeds); PubMed 26387595 (cited by 10 submitters); PubMed 26943801 (cited by 5 submitters); PubMed 27848944 (cited by Ambry Genetics and Counsyl); PubMed 28518168 (cited by Ambry Genetics); PubMed 31884617 (cited by Ambry Genetics and Mayo Clinic Laboratories, Mayo Clinic); PubMed 32461654 (cited by Ambry Genetics); PubMed 34234304 (cited by Ambry Genetics and Mayo Clinic Laboratories, Mayo Clinic); PubMed 34534157 (cited by Ambry Genetics); PubMed 36785559 (cited by 3 submitters); PubMed 40725402 (cited by Ambry Genetics); PubMed 19877282 (cited by 5 submitters); PubMed 30476936 (cited by Mayo Clinic Laboratories, Mayo Clinic); PubMed 31216405 (cited by Mayo Clinic Laboratories, Mayo Clinic and Women's Health and Genetics/Laboratory Corporation of America, LabCorp); PubMed 31831025 (cited by 3 submitters); PubMed 33776059 (cited by 3 submitters); PubMed 16530715 (cited by Women's Health and Genetics/Laboratory Corporation of America, LabCorp and OMIM); PubMed 33003980 (cited by Women's Health and Genetics/Laboratory Corporation of America, LabCorp); PubMed 31374812 (cited by Pittsburgh Clinical Genomics Laboratory, University of Pittsburgh Medical Center); PubMed 25079599 (cited by Labcorp Genetics (formerly Invitae), Labcorp); PubMed 26287655 (cited by Labcorp Genetics (formerly Invitae), Labcorp).